The following is an entry in ClinVar:

NM_013275.6(ANKRD11):c.6040_6042del (p.Pro2014del)

Gene: ANKRD11 (ankyrin repeat domain 11; minus strand). Cytogenetic location: 16q24.3.
Variant type: Deletion.
Coding change: c.6040_6042del on transcript NM_013275.6 (MANE Select); coding-DNA positions 6040 to 6042, 3 bases deleted (CCG; older notation c.6040_6042delCCG).
Protein change: p.Pro2014del; deletes proline 2014.
Molecular consequence: inframe deletion.
Genome position (GRCh38, 1-based): chr16:89,280,500-89,280,502, CGG deleted on the plus strand (CCG on the coding strand, the reverse complement: ANKRD11 is on the minus strand); deleting any 3 consecutive bases within chr16:89,280,500-89,280,504 gives the same sequence; the c. name uses the placement nearest the transcript's 3' end. VCF-style (leftmost placement, unchanged base first): chr16-89280499-ACGG-A. GRCh37 (hg19) VCF-style: chr16-89346907-ACGG-A.
Other names: c.6040_6042del, p.Pro2014del (NM_001256182.2, NM_001256183.2); short protein forms P2014del.
Identifiers: ClinVar variation 4686238 (VCV004686238.1).
Genomic context (GRCh38, chr16:89,280,499, plus strand): 5'-CCAGCCCCGGCTCAGCGACGGGCAGAGCGTACGGGGCAGGAGAGGCGGGAGGGGCGGGGT[ACGG>A]CGCCTCCGAGGCGCTGAAGGGCCCTGGGGCGGCAGAGTGGAGGGGGTCCGCGGGGCAGAA-3'

ClinVar aggregate classification (germline): Uncertain significance (1 of 4 stars; one submission).

Submission:

GeneDx
Classification: Uncertain significance. Last evaluated: 2025-07-15. Review status: criteria provided, single submitter. Criteria: GeneDx Variant Classification Process June 2021. Collection method: clinical testing. Allele origin: germline. Affected: yes.
Comment: Not observed at significant frequency in large population cohorts (gnomAD); In-frame deletion of one amino acid in a non-repeat region; In silico analysis suggests that this variant does not alter protein structure/function; Has not been previously published as pathogenic or benign to our knowledge